The following is an entry in ClinVar:

NM_001005373.4(LRSAM1):c.1352C>T (p.Ala451Val)

Gene: LRSAM1 (leucine rich repeat and sterile alpha motif containing 1; plus strand). Cytogenetic location: 9q33.3.
Variant type: single nucleotide variant.
Coding change: c.1352C>T on transcript NM_001005373.4 (MANE Select); coding-DNA position 1352, C replaced by T.
Protein change: p.Ala451Val; replaces alanine 451 with valine.
Molecular consequence: missense variant. On other transcripts: non-coding transcript variant (2).
Genome position (GRCh38, 1-based): chr9:127,489,448, C>T. VCF-style: chr9-127489448-C-T. GRCh37 (hg19) VCF-style: chr9-130251727-C-T.
Other names: c.1352C>T, p.Ala451Val (NM_001005374.4, NM_001190723.3, NM_001384142.1 and 2 more transcripts); c.563C>T, p.Ala188Val (NM_001384144.1); c.1352C>T (NM_138361.4); short protein forms A451V, A188V.
Identifiers: ClinVar variation 540004 (VCV000540004.14), dbSNP rs751593173, ClinGen allele CA5246958.

ClinVar aggregate classification (germline): Uncertain significance. Review status: criteria provided, multiple submitters, no conflicts (2 of 4 stars). 4 submissions from 4 submitters: Uncertain significance (4). Last evaluated 2025-10-13.

Conditions:
Charcot-Marie-Tooth disease axonal type 2P. Also called: CHARCOT-MARIE-TOOTH DISEASE, AXONAL, TYPE 2G; CMT 2G; Charcot-Marie-Tooth Neuropathy Type 2G; CHARCOT-MARIE-TOOTH NEUROPATHY, TYPE 2P. Identifiers: Orphanet 300319, Orphanet 99941, MedGen C3280797, MONDO:0013753, OMIM 614436.
Inborn genetic diseases. Identifiers: MedGen C0950123, MeSH D030342.

Allele frequency attached by ClinVar (database versions not stated): gnomAD exomes 0.00002 and 0.00005; gnomAD 0.00003; TOPMed 0.00003; ExAC 0.00004.
gnomAD v4.1: 42 of 1,606,986 alleles (0.0026%); highest among the groups gnomAD compares: East Asian, 0.0089%; no homozygotes.

Submissions (4):

Labcorp Genetics (formerly Invitae), Labcorp
Classification: Uncertain significance for Charcot-Marie-Tooth disease axonal type 2P. Last evaluated: 2025-10-13. Review status: criteria provided, single submitter. Criteria: Invitae Variant Classification Sherloc (09022015). Collection method: clinical testing. Allele origin: germline.
Comment: This sequence change replaces alanine, which is neutral and non-polar, with valine, which is neutral and non-polar, at codon 451 of the LRSAM1 protein (p.Ala451Val). This variant is present in population databases (rs751593173, gnomAD 0.06%). This variant has not been reported in the literature in individuals affected with LRSAM1-related conditions. ClinVar contains an entry for this variant (Variation ID: 540004). Invitae Evidence Modeling of protein sequence and biophysical properties (such as structural, functional, and spatial information, amino acid conservation, physicochemical variation, residue mobility, and thermodynamic stability) indicates that this missense variant is not expected to disrupt LRSAM1 protein function with a negative predictive value of 80%. In summary, the available evidence is currently insufficient to determine the role of this variant in disease. Therefore, it has been classified as a Variant of Uncertain Significance.

Blueprint Genetics
Classification: Uncertain significance. Last evaluated: 2024-04-08. Review status: criteria provided, single submitter. Criteria: ACMG Guidelines, 2015. Collection method: clinical testing. Allele origin: germline.

Ambry Genetics
Classification: Uncertain significance for Inborn genetic diseases. Last evaluated: 2023-02-14. Review status: criteria provided, single submitter. Criteria: Ambry Variant Classification Scheme 2023. Collection method: clinical testing. Allele origin: germline.

Baylor Genetics
Classification: Uncertain significance for Charcot-Marie-Tooth disease axonal type 2P. Last evaluated: 2018-03-02. Review status: criteria provided, single submitter. Criteria: ACMG Guidelines, 2015. Collection method: clinical testing. Allele origin: paternal. Affected: yes.
Comment: This variant was determined to be of uncertain significance according to ACMG Guidelines, 2015 [PMID:25741868].